The following is an entry in ClinVar:

ClinVar aggregate classification (germline): Likely benign. Review status: criteria provided, single submitter (1 of 4 stars). 2 submissions from 2 submitters: Likely benign (1). 1 of the submissions does not count toward it. Last evaluated 2026-01-21.

Conditions:
DMXL2-related disorder. Also called: DMXL2-related condition.

Allele frequency attached by ClinVar (database versions not stated): ExAC 0.00003; gnomAD exomes 0.00003; gnomAD 0.00004; TOPMed 0.00005.
gnomAD v4.1: 45 of 1,609,674 alleles (0.0028%); highest among the groups gnomAD compares: Non-Finnish European, 0.0037%; no homozygotes.

Submissions (2):

Labcorp Genetics (formerly Invitae), Labcorp
Classification: Likely benign. Last evaluated: 2026-01-21. Review status: criteria provided, single submitter. Criteria: Invitae Variant Classification Sherloc (09022015). Collection method: clinical testing. Allele origin: germline.

PreventionGenetics, part of Exact Sciences
Classification: Likely benign for DMXL2-related condition. Last evaluated: 2020-12-04. Review status: no assertion criteria provided. Collection method: clinical testing. Allele origin: germline. Not counted in ClinVar's aggregate classification.
Comment: This variant is classified as likely benign based on ACMG/AMP sequence variant interpretation guidelines (Richards et al. 2015 PMID: 25741868, with internal and published modifications).

NM_001378457.1(DMXL2):c.8605-5C>T

Gene: DMXL2 (Dmx like 2; minus strand). Cytogenetic location: 15q21.2.
Variant type: single nucleotide variant.
Coding change: c.8605-5C>T on transcript NM_001378457.1 (MANE Select); 5 bases into the intron before coding-DNA position 8605, C replaced by T.
Molecular consequence: intron variant.
Genome position (GRCh38, 1-based): chr15:51,453,646, G>A on the plus strand (C>T on the coding strand, the complement: DMXL2 is on the minus strand). VCF-style: chr15-51453646-G-A. GRCh37 (hg19) VCF-style: chr15-51745843-G-A.
Other names: c.8542-5C>T (NM_001174116.1, NM_001174116.3); c.6520-5C>T (NM_001378460.1); c.6631-5C>T (NM_001174117.3); c.8539-5C>T (NM_015263.5); c.8602-5C>T (NM_001378458.1); c.8317-5C>T (NM_001378459.1).
Identifiers: ClinVar variation 2157456 (VCV002157456.6), dbSNP rs201906356, ClinGen allele CA7560961.